The following is an entry in ClinVar:

ClinVar aggregate classification (germline): Uncertain significance (1 of 4 stars; one submission).

Conditions:
FBXO28-related disorder. Also called: FBXO28-related condition.

Submission:

PreventionGenetics, part of Exact Sciences
Classification: Uncertain significance for FBXO28-related condition. Last evaluated: 2025-05-11. Review status: criteria provided, single submitter. Criteria: ACMG Guidelines, 2015. Collection method: clinical testing. Allele origin: germline.
Comment: The FBXO28 c.823G>T variant is predicted to result in the amino acid substitution p.Val275Leu. To our knowledge, this variant has not been reported in the literature or in a large population database (gnomAD), indicating this variant is rare. At this time, the clinical significance of this variant is uncertain due to the absence of conclusive functional and genetic evidence.

NM_015176.4(FBXO28):c.823G>T (p.Val275Leu)

Gene: FBXO28 (F-box protein 28; plus strand). Cytogenetic location: 1q42.11.
Variant type: single nucleotide variant.
Coding change: c.823G>T on transcript NM_015176.4 (MANE Select); coding-DNA position 823, G replaced by T.
Protein change: p.Val275Leu; replaces valine 275 with leucine.
Molecular consequence: missense variant. On other transcripts: 3 prime UTR variant (1), non-coding transcript variant (1).
Genome position (GRCh38, 1-based): chr1:224,157,462, G>T. VCF-style: chr1-224157462-G-T. GRCh37 (hg19) VCF-style: chr1-224345164-G-T.
Other names: c.*87G>T (NM_001136115.3); short protein forms V275L.
Identifiers: ClinVar variation 4992226 (VCV004992226.1).
Genomic context (GRCh38, chr1:224,157,462, plus strand): 5'-AATCCTTCAAGACAAGAGGTTACCAAACTCCAGCAGCAGGTTAAAACAAATGGTGCTGGC[G>T]TGACTGTTCTCAGGCGTGAAATTTCTGAGCTTCGCACCAAAGTGCAAGAACAGCAAAAAC-3'
Protein context (NP_055991.1, residues 265-285): QQQVKTNGAG[Val275Leu]TVLRREISEL